The following is an entry in ClinVar:

NM_000018.4(ACADVL):c.286_290delinsT (p.Glu96fs)

Gene: ACADVL (acyl-CoA dehydrogenase very long chain; plus strand). Cytogenetic location: 17p13.1.
Variant type: Indel.
Coding change: c.286_290delinsT on transcript NM_000018.4 (MANE Select); coding-DNA positions 286 to 290, GAAGA replaced by T.
Protein change: p.Glu96fs; shifts the reading frame from glutamic acid 96.
Molecular consequence: frameshift variant.
Genome position (GRCh38, 1-based): chr17:7,220,774-7,220,778, GAAGA replaced by T. VCF-style: chr17-7220774-GAAGA-T. GRCh37 (hg19) VCF-style: chr17-7124093-GAAGA-T.
Other names: c.58_62delinsT, p.Glu20fs (NM_001270448.2); c.220_224delinsT, p.Glu74fs (NM_001033859.3); c.355_359delinsT, p.Glu119fs (NM_001270447.2); short protein forms E20fs, E74fs, E96fs, E119fs.
Identifiers: ClinVar variation 5005802 (VCV005005802.2).

ClinVar aggregate classification (germline): Likely pathogenic (1 of 4 stars; one submission).

Conditions:
Very long chain acyl-CoA dehydrogenase deficiency (ACADVLD). Also called: Very Long-Chain Acyl-Coenzyme A Dehydrogenase Deficiency; VLCAD Deficiency. Identifiers: Orphanet 26793, MedGen C3887523, MONDO:0008723, OMIM 201475.

Submission:

Juno Genomics, Hangzhou Juno Genomics, Inc
Classification: Likely pathogenic for Very long chain acyl-CoA dehydrogenase deficiency. Review status: criteria provided, single submitter. Criteria: ACMG Guidelines, 2015. Collection method: clinical testing. Allele origin: germline.
Comment: Null variant in a gene where loss of function (LOF) is a known mechanism of disease.;Absent from controls (or at extremely low frequency if recessive) in Genome Aggregation Database.